The following is an entry in ClinVar:

NM_014423.4(AFF4):c.3385A>C (p.Lys1129Gln)

Gene: AFF4 (ALF transcription elongation factor 4; minus strand). Cytogenetic location: 5q31.1.
Variant type: single nucleotide variant.
Coding change: c.3385A>C on transcript NM_014423.4 (MANE Select); coding-DNA position 3385, A replaced by C.
Protein change: p.Lys1129Gln; replaces lysine 1129 with glutamine.
Molecular consequence: missense variant.
Genome position (GRCh38, 1-based): chr5:132,881,166, T>G on the plus strand (A>C on the coding strand, the complement: AFF4 is on the minus strand). VCF-style: chr5-132881166-T-G. GRCh37 (hg19) VCF-style: chr5-132216858-T-G.
Other names: short protein forms K1129Q.
Identifiers: ClinVar variation 4997588 (VCV004997588.1).

ClinVar aggregate classification (germline): Uncertain significance (1 of 4 stars; one submission).

Conditions:
AFF4-related disorder. Also called: AFF4-related condition.

Submission:

PreventionGenetics, part of Exact Sciences
Classification: Uncertain significance for AFF4-related condition. Last evaluated: 2025-08-05. Review status: criteria provided, single submitter. Criteria: ACMG Guidelines, 2015. Collection method: clinical testing. Allele origin: germline.
Comment: The AFF4 c.3385A>C variant is predicted to result in the amino acid substitution p.Lys1129Gln. To our knowledge, this variant has not been reported in the literature or in a large population database (gnomAD), indicating this variant is rare. At this time, the clinical significance of this variant is uncertain due to the absence of conclusive functional and genetic evidence.